The following is an entry in ClinVar:

NM_000709.4(BCKDHA):c.1137del (p.Lys380fs)

Gene: BCKDHA (branched chain keto acid dehydrogenase E1 subunit alpha; plus strand). Cytogenetic location: 19q13.2.
Variant type: Deletion.
Coding change: c.1137del on transcript NM_000709.4 (MANE Select); coding-DNA position 1137, one base deleted (G; older notation c.1137delG).
Protein change: p.Lys380fs; shifts the reading frame from lysine 380.
Molecular consequence: frameshift variant.
Genome position (GRCh38, 1-based): chr19:41,423,139, G deleted. VCF-style (leftmost placement, unchanged base first): chr19-41423138-AG-A. GRCh37 (hg19) VCF-style: chr19-41929043-AG-A.
Other names: c.1134del, p.Lys379fs (NM_001164783.2); short protein forms K379fs, K380fs.
Identifiers: ClinVar variation 2808947 (VCV002808947.3), dbSNP rs2513461217, ClinGen allele CA2739276839.

ClinVar aggregate classification (germline): Pathogenic (1 of 4 stars; one submission).

Conditions:
Maple syrup urine disease (MSUD). Identifiers: Orphanet 511, MedGen C0024776, MeSH D008375, MONDO:0009563. Disease mechanism: loss of function.

Submission:

Labcorp Genetics (formerly Invitae), Labcorp
Classification: Pathogenic for Maple syrup urine disease. Last evaluated: 2022-10-27. Review status: criteria provided, single submitter. Criteria: Invitae Variant Classification Sherloc (09022015). Collection method: clinical testing. Allele origin: germline.
Comment: This sequence change creates a premature translational stop signal (p.Lys380Argfs*11) in the BCKDHA gene. While this is not anticipated to result in nonsense mediated decay, it is expected to disrupt the last 66 amino acid(s) of the BCKDHA protein. This variant is not present in population databases (gnomAD no frequency). This variant has not been reported in the literature in individuals affected with BCKDHA-related conditions. This variant disrupts a region of the BCKDHA protein in which other variant(s) (p.Tyr438) have been determined to be pathogenic (PMID: 1885764, 2703538, 11825067, 12888983, 20136525, 26830710). This suggests that this is a clinically significant region of the protein, and that variants that disrupt it are likely to be disease-causing. For these reasons, this variant has been classified as Pathogenic.

Literature cited by the submitters: PubMed 1885764; PubMed 2703538; PubMed 11825067; PubMed 12888983; PubMed 20136525; PubMed 26830710.